The following is an entry in ClinVar:

ClinVar aggregate classification (germline): Uncertain significance (1 of 4 stars; one submission).

Conditions:
Neurofibromatosis, type 1 (NF1). Also called: Peripheral type neurofibromatosis; VON RECKLINGHAUSEN DISEASE; Neurofibromatosis, type I; NEUROFIBROMATOSIS, TYPE I, SOMATIC. Identifiers: Orphanet 636, MedGen C0027831, MONDO:0018975, OMIM 162200. Disease mechanism: loss of function.

Submission:

Labcorp Genetics (formerly Invitae), Labcorp
Classification: Uncertain significance for Neurofibromatosis, type 1. Last evaluated: 2023-08-03. Review status: criteria provided, single submitter. Criteria: Invitae Variant Classification Sherloc (09022015). Collection method: clinical testing. Allele origin: germline.
Comment: This sequence change replaces arginine, which is basic and polar, with glycine, which is neutral and non-polar, at codon 416 of the NF1 protein (p.Arg416Gly). This variant is not present in population databases (gnomAD no frequency). This variant has not been reported in the literature in individuals affected with NF1-related conditions. Advanced modeling of protein sequence and biophysical properties (such as structural, functional, and spatial information, amino acid conservation, physicochemical variation, residue mobility, and thermodynamic stability) performed at Invitae indicates that this missense variant is expected to disrupt NF1 protein function. In summary, the available evidence is currently insufficient to determine the role of this variant in disease. Therefore, it has been classified as a Variant of Uncertain Significance.

NM_001042492.3(NF1):c.1246C>G (p.Arg416Gly)

Gene: NF1 (neurofibromin 1; plus strand). Cytogenetic location: 17q11.2.
Variant type: single nucleotide variant.
Coding change: c.1246C>G on transcript NM_001042492.3 (MANE Select); coding-DNA position 1246, C replaced by G.
Protein change: p.Arg416Gly; replaces arginine 416 with glycine.
Molecular consequence: missense variant.
Genome position (GRCh38, 1-based): chr17:31,201,471, C>G. VCF-style: chr17-31201471-C-G. GRCh37 (hg19) VCF-style: chr17-29528489-C-G.
Other names: c.1246C>G, p.Arg416Gly (NM_000267.4, NM_001128147.3); short protein forms R416G.
Identifiers: ClinVar variation 3009264 (VCV003009264.3), dbSNP rs764079291, ClinGen allele CA398997709.
Genomic context (GRCh38, chr17:31,201,471, plus strand): 5'-ATCTGCCTGGCTCAGAATTCACCTTCTACATTTCACTATGTGCTGGTAAATTCACTCCAT[C>G]GAATCATCACCAATGTAAGTCCAAAAGGTATTGCTAAATTACTAAAAAAATTTTTTTCTT-3'
Protein context (NP_001035957.1, residues 406-426): FHYVLVNSLH[Arg416Gly]IITNSALDWW